The following is an entry in ClinVar:

NM_022726.4(ELOVL4):c.247A>G (p.Asn83Asp)

Gene: ELOVL4 (ELOVL fatty acid elongase 4; minus strand). Cytogenetic location: 6q14.1.
Variant type: single nucleotide variant.
Coding change: c.247A>G on transcript NM_022726.4 (MANE Select); coding-DNA position 247, A replaced by G.
Protein change: p.Asn83Asp; replaces asparagine 83 with aspartic acid.
Molecular consequence: missense variant.
Genome position (GRCh38, 1-based): chr6:79,926,235, T>C on the plus strand (A>G on the coding strand, the complement: ELOVL4 is on the minus strand). VCF-style: chr6-79926235-T-C. GRCh37 (hg19) VCF-style: chr6-80635952-T-C.
Other names: short protein forms N83D.
Identifiers: ClinVar variation 3710284 (VCV003710284.2).

ClinVar aggregate classification (germline): Uncertain significance (1 of 4 stars; one submission).

Submission:

Labcorp Genetics (formerly Invitae), Labcorp
Classification: Uncertain significance. Last evaluated: 2025-11-04. Review status: criteria provided, single submitter. Criteria: Invitae Variant Classification Sherloc (09022015). Collection method: clinical testing. Allele origin: germline.
Comment: This sequence change replaces asparagine, which is neutral and polar, with aspartic acid, which is acidic and polar, at codon 83 of the ELOVL4 protein (p.Asn83Asp). This variant is not present in population databases (gnomAD no frequency). This variant has not been reported in the literature in individuals affected with ELOVL4-related conditions. ClinVar contains an entry for this variant (Variation ID: 3710284). Invitae Evidence Modeling of protein sequence and biophysical properties (such as structural, functional, and spatial information, amino acid conservation, physicochemical variation, residue mobility, and thermodynamic stability) has been performed for this missense variant. However, the output from this modeling did not meet the statistical confidence thresholds required to predict the impact of this variant on ELOVL4 protein function. In summary, the available evidence is currently insufficient to determine the role of this variant in disease. Therefore, it has been classified as a Variant of Uncertain Significance.